The following is an entry in ClinVar:

NM_022489.4(INF2):c.640C>T (p.Arg214Cys)

Gene: INF2 (inverted formin 2; plus strand). Cytogenetic location: 14q32.33.
Variant type: single nucleotide variant.
Coding change: c.640C>T on transcript NM_022489.4 (MANE Select); coding-DNA position 640, C replaced by T.
Protein change: p.Arg214Cys; replaces arginine 214 with cysteine.
Molecular consequence: missense variant.
Genome position (GRCh38, 1-based): chr14:104,703,427, C>T. VCF-style: chr14-104703427-C-T. GRCh37 (hg19) VCF-style: chr14-105169764-C-T.
Other names: c.640C>T, p.Arg214Cys (NM_001031714.4, NM_032714.3); short protein forms R214C.
Identifiers: ClinVar variation 635443 (VCV000635443.17), dbSNP rs912928648, ClinGen allele CA267318974.

ClinVar aggregate classification (germline): Pathogenic/Likely pathogenic. Review status: criteria provided, multiple submitters, no conflicts (2 of 4 stars). 8 submissions from 8 submitters: Pathogenic (4); Likely pathogenic (2). 2 of the submissions do not count toward it. Last evaluated 2025-10-08.

Conditions:
Focal segmental glomerulosclerosis 5 (FSGS5). Identifiers: Orphanet 656, MedGen C2750475, MONDO:0013191, OMIM 613237.
Charcot-Marie-Tooth disease. Also called: Charcot-Marie-Tooth Hereditary Neuropathy; Charcot-Marie-Tooth Neuropathy. Identifiers: Orphanet 166, MedGen C0007959, MONDO:0015626.
Charcot-Marie-Tooth disease dominant intermediate E. Also called: CHARCOT-MARIE-TOOTH NEUROPATHY WITH FOCAL SEGMENTAL GLOMERULONEPHRITIS. Identifiers: Orphanet 93114, MedGen C4302667, MONDO:0013758, OMIM 614455.
Inborn genetic diseases. Identifiers: MedGen C0950123, MeSH D030342.

Allele frequency attached by ClinVar (database versions not stated): gnomAD exomes below 0.00001; TOPMed below 0.00001.
gnomAD v4.1: 1 of 1,612,728 alleles (0.000062%); highest among the groups gnomAD compares: Admixed American, 0.0017%; no homozygotes.

Submissions (8):

Centre for Clinical Genetics and Genomic Diagnostics, Zealand University Hospital
Classification: Likely pathogenic. Last evaluated: 2025-10-08. Review status: criteria provided, single submitter. Criteria: ACMG Guidelines, 2015. Collection method: clinical testing. Allele origin: germline. Affected: yes.

Ambry Genetics
Classification: Likely pathogenic for Inborn genetic diseases. Last evaluated: 2025-08-07. Review status: criteria provided, single submitter. Criteria: Ambry Variant Classification Scheme 2023. Collection method: clinical testing. Allele origin: germline.
Comment: The c.640C>T (p.R214C) alteration is located in exon 4 (coding exon 3) of the INF2 gene. This alteration results from a C to T substitution at nucleotide position 640, causing the arginine (R) at amino acid position 214 to be replaced by a cysteine (C). Based on data from gnomAD, the T allele has an overall frequency of <0.001% (1/248058) total alleles studied. The highest observed frequency was 0.003% (1/34496) of Admixed American alleles. This variant was reported in individual(s) with features consistent with INF2-related intermediate Charcot-Marie-Tooth disease / INF2-related focal segmental glomerulosclerosis (Pode-Shakked, 2022; Zhao, 2021; Murray, 2020; Sen, 2017; Caridi, 2014; Barua, 2013; Gbadegesin, 2012; Boyer, 2011). Another variant at the same codon, c.641G>A (p.R214H), has been identified in individual(s) with features consistent with INF2-related focal segmental glomerulosclerosis (Brown, 2010; Gbadegesin, 2012; Safarikova, 2018). This amino acid position is highly conserved in available vertebrate species. In multiple assays testing INF2 function, this variant showed functionally abnormal results (Bayraktar, 2020). The p.R214C alteration is predicted to be deleterious by in silico analysis. Based on the available evidence, this alteration is classified as likely pathogenic.

Genomic Medicine Center of Excellence, King Faisal Specialist Hospital and Research Centre
Classification: Pathogenic for Charcot-Marie-Tooth disease dominant intermediate E. Last evaluated: 2024-12-18. Review status: criteria provided, single submitter. Criteria: ACMG Guidelines, 2015. Collection method: clinical testing. Allele origin: germline.

3billion
Classification: Pathogenic for Focal segmental glomerulosclerosis 5. Last evaluated: 2023-12-10. Review status: criteria provided, single submitter. Criteria: ACMG Guidelines, 2015. Collection method: clinical testing. Allele origin: germline. Affected: yes.
Comment: The variant is observed at an extremely low frequency in the gnomAD v2.1.1 dataset (total allele frequency: <0.001%). Predicted Consequence/Location: Missense changes are a common disease-causing mechanism. In silico tool predictions suggest damaging effect of the variant on gene or gene product [REVEL: 0.81 (>=0.6, sensitivity 0.68 and specificity 0.92); 3Cnet: 0.94 (>=0.6, sensitivity 0.72 and precision 0.9)]. Same nucleotide change resulting in same amino acid change has been previously reported as pathogenic/likely pathogenic with strong evidence (ClinVar ID: VCV000635443 /PMID: 21258034 /3billion dataset). The variant has been observed in multiple (>3) similarly affected unrelated individuals (PMID: 32451589). A different missense change at the same codon (p.Arg214His) has been reported as pathogenic/likely pathogenic with strong evidence (ClinVar ID: VCV000001053 /PMID: 20023659). Therefore, this variant is classified as Pathogenic according to the recommendation of ACMG/AMP guideline.

Labcorp Genetics (formerly Invitae), Labcorp
Classification: Pathogenic for Charcot-Marie-Tooth disease dominant intermediate E; Focal segmental glomerulosclerosis 5. Last evaluated: 2022-02-02. Review status: criteria provided, single submitter. Criteria: Invitae Variant Classification Sherloc (09022015). Collection method: clinical testing. Allele origin: germline.
Comment: For these reasons, this variant has been classified as Pathogenic. Advanced modeling of protein sequence and biophysical properties (such as structural, functional, and spatial information, amino acid conservation, physicochemical variation, residue mobility, and thermodynamic stability) performed at Invitae indicates that this missense variant is expected to disrupt INF2 protein function. ClinVar contains an entry for this variant (Variation ID: 635443). This missense change has been observed in individuals with focal segmental glomerulosclerosis (PMID: 21258034, 25165188, 28780565). It has also been observed to segregate with disease in related individuals. This variant is present in population databases (no rsID available, gnomAD 0.003%). This sequence change replaces arginine, which is basic and polar, with cysteine, which is neutral and slightly polar, at codon 214 of the INF2 protein (p.Arg214Cys).

Victorian Clinical Genetics Services, Murdoch Childrens Research Institute
Classification: Pathogenic for Focal segmental glomerulosclerosis 5. Last evaluated: 2022-02-02. Review status: criteria provided, single submitter. Criteria: ACMG Guidelines, 2015. Collection method: clinical testing. Allele origin: germline. Inheritance: Autosomal dominant inheritance.
Comment: Based on the classification scheme VCGS_Germline_v1.3.4, this variant is classified as Pathogenic. Following criteria are met: 0105 - The mechanism of disease for this gene is not clearly established. (I) 0107 - This gene is associated with autosomal dominant disease. (I) 0112 - The condition associated with this gene has incomplete penetrance. In some families with focal segmental glomerulosclerosis (FSGS), carriers of pathogenic variants were clinically unaffected (PMID: 32451589). (I) 0115 - Variants in this gene are known to have variable expressivity. Inter- and intrafamilial variability has been reported, where the same variant was observed in individuals with FSGS or both FSGS and Charcot-Marie-Tooth disease (CMT) (PMID: 32451589). (I) 0200 - Variant is predicted to result in a missense amino acid change from arginine to cysteine. (I) 0251 - This variant is heterozygous. (I) 0302 - Variant is present in gnomAD (v2) <0.001 for a dominant condition (1 heterozygote, 0 homozygotes). (SP) 0309 - An alternative amino acid change at the same position has been observed in gnomAD (v2: 1 heterozygote, 0 homozygotes). (I) 0501 - Missense variant consistently predicted to be damaging by multiple in silico tools or highly conserved with a major amino acid change. (SP) 0602 - Variant is located in a hotspot region or cluster of pathogenic variants. The diaphanous FH3 domain is a cluster of pathogenic variants (DECIPHER). (SP) 0704 - Another missense variant comparable to the one identified in this case has limited previous evidence for pathogenicity. p.(Arg214His) has been reported as a recurrent variant in multiple families with FSGS with incomplete penetrance (PMID: 32451589). (SP) 0801 - This variant has strong previous evidence of pathogenicity in unrelated individuals. It has been reported as a recurrent variant in multiple families with FSGS with incomplete penetrance (PMID: 32451589) and has two pathogenic entries in ClinVar. (SP) 1208 - Inheritance information for this variant is not currently available in this individual. (I) Legend: (SP) - Supporting pathogenic, (I) - Information, (SB) - Supporting benign

Bioscientia Institut fuer Medizinische Diagnostik GmbH, Sonic Healthcare
Classification: Pathogenic for Focal segmental glomerulosclerosis 5. Last evaluated: 2018-11-09. Review status: no assertion criteria provided. Collection method: clinical testing. Allele origin: germline. Affected: yes. Not counted in ClinVar's aggregate classification.

Inherited Neuropathy Consortium
Classification: Uncertain significance for Charcot-Marie-Tooth disease. Review status: no assertion criteria provided. Collection method: literature only. Allele origin: germline. Affected: yes. Not counted in ClinVar's aggregate classification.

Literature cited by the submitters: PubMed 20023659 (cited by Ambry Genetics and 3billion); PubMed 21258034 (cited by 3 submitters); PubMed 21866090 (cited by Ambry Genetics); PubMed 23014460 (cited by Ambry Genetics); PubMed 25165188 (cited by 3 submitters); PubMed 28780565 (cited by Ambry Genetics and Labcorp Genetics (formerly Invitae), Labcorp); PubMed 30126379 (cited by Ambry Genetics); PubMed 31822006 (cited by Ambry Genetics); PubMed 32444357 (cited by Ambry Genetics); PubMed 33541266 (cited by Ambry Genetics); PubMed 34993602 (cited by Ambry Genetics); PubMed 32451589 (cited by 3billion and Victorian Clinical Genetics Services, Murdoch Childrens Research Institute).